The following is an entry in ClinVar:

ClinVar aggregate classification (germline): Uncertain significance (1 of 4 stars; one submission).

Conditions:
Inborn genetic diseases. Identifiers: MedGen C0950123, MeSH D030342.

Submission:

Ambry Genetics
Classification: Uncertain significance for Inborn genetic diseases. Last evaluated: 2023-10-08. Review status: criteria provided, single submitter. Criteria: Ambry Variant Classification Scheme 2023. Collection method: clinical testing. Allele origin: germline.
Comment: The p.L2303F variant (also known as c.6907C>T), located in coding exon 41 of the ATR gene, results from a C to T substitution at nucleotide position 6907. The leucine at codon 2303 is replaced by phenylalanine, an amino acid with highly similar properties. This amino acid position is conserved. In addition, the in silico prediction for this alteration is inconclusive. Since supporting evidence is limited at this time, the clinical significance of this alteration remains unclear.

NM_001184.4(ATR):c.6907C>T (p.Leu2303Phe)

Gene: ATR (ATR checkpoint kinase; minus strand). Cytogenetic location: 3q23.
Variant type: single nucleotide variant.
Coding change: c.6907C>T on transcript NM_001184.4 (MANE Select); coding-DNA position 6907, C replaced by T.
Protein change: p.Leu2303Phe; replaces leucine 2303 with phenylalanine.
Molecular consequence: missense variant.
Genome position (GRCh38, 1-based): chr3:142,465,231, G>A on the plus strand (C>T on the coding strand, the complement: ATR is on the minus strand). VCF-style: chr3-142465231-G-A. GRCh37 (hg19) VCF-style: chr3-142184073-G-A.
Other names: c.6715C>T, p.Leu2239Phe (NM_001354579.2); short protein forms L2239F, L2303F.
Identifiers: ClinVar variation 3221266 (VCV003221266.1), dbSNP rs2108271432, ClinGen allele CA354800848.